The following is an entry in ClinVar:

NM_001048174.2(MUTYH):c.140T>A (p.Val47Glu)

Gene: MUTYH (mutY DNA glycosylase; minus strand). Cytogenetic location: 1p34.1.
Variant type: single nucleotide variant.
Coding change: c.140T>A on transcript NM_001048174.2 (MANE Select); coding-DNA position 140, T replaced by A.
Protein change: p.Val47Glu; replaces valine 47 with glutamic acid.
Molecular consequence: missense variant. On other transcripts: 5 prime UTR variant (1), non-coding transcript variant (2), intron variant (3).
Genome position (GRCh38, 1-based): chr1:45,333,537, A>T on the plus strand (T>A on the coding strand, the complement: MUTYH is on the minus strand). VCF-style: chr1-45333537-A-T. GRCh37 (hg19) VCF-style: chr1-45799209-A-T.
Other names: c.140T>A, p.Val47Glu (NM_001048171.2, NM_001048173.2, NM_001293195.2); c.143T>A, p.Val48Glu (NM_001048172.2); c.224T>A, p.Val75Glu (NM_001128425.2); c.185T>A, p.Val62Glu (NM_001293190.2); c.173T>A, p.Val58Glu (NM_001293191.2); c.-132T>A (NM_001350650.2); c.215T>A, p.Val72Glu (NM_012222.3); c.-92-40T>A (NM_001350651.2); and 1 more; short protein forms V75E, V62E, V72E, V47E, V48E, V58E.
Identifiers: ClinVar variation 628053 (VCV000628053.3), dbSNP rs1557487179, ClinGen allele CA340136618.

ClinVar aggregate classification (germline): Conflicting classifications of pathogenicity. Review status: criteria provided, conflicting classifications (1 of 4 stars). 2 submissions from 2 submitters: Uncertain significance (1); Likely benign (1). Last evaluated 2025-07-13.

Conditions:
Hereditary cancer-predisposing syndrome. Also called: Neoplastic Syndromes, Hereditary; Hereditary Cancer Syndrome; Tumor predisposition; Hereditary neoplastic syndrome. Identifiers: Orphanet 140162, MedGen C0027672, MeSH D009386, MONDO:0015356.
Familial adenomatous polyposis 2. Also called: COLORECTAL ADENOMATOUS POLYPOSIS, AUTOSOMAL RECESSIVE; ADENOMAS, MULTIPLE COLORECTAL, AUTOSOMAL RECESSIVE; MUTYH-associated polyposis; MUTYH-related attenuated familial adenomatous polyposis; MUTYH Polyposis; Adenomas, multiple colorectal. Identifiers: Orphanet 220460, Orphanet 247798, MedGen C3272841, MONDO:0012041, OMIM 608456.

Submissions (2):

Labcorp Genetics (formerly Invitae), Labcorp
Classification: Uncertain significance for Familial adenomatous polyposis 2. Last evaluated: 2025-07-13. Review status: criteria provided, single submitter. Criteria: Invitae Variant Classification Sherloc (09022015). Collection method: clinical testing. Allele origin: germline.
Comment: This sequence change replaces valine, which is neutral and non-polar, with glutamic acid, which is acidic and polar, at codon 75 of the MUTYH protein (p.Val75Glu). This variant is not present in population databases (gnomAD no frequency). This missense change has been observed in individual(s) with colorectal cancer (PMID: 12707038). This variant is also known as V61E and V47E. ClinVar contains an entry for this variant (Variation ID: 628053). An algorithm developed to predict the effect of missense changes on protein structure and function outputs the following: PolyPhen-2: "Benign". The glutamic acid amino acid residue is found in multiple mammalian species, which suggests that this missense change does not adversely affect protein function. Experimental studies have shown that this missense change does not substantially affect MUTYH function (PMID: 20848659). In summary, the available evidence is currently insufficient to determine the role of this variant in disease. Therefore, it has been classified as a Variant of Uncertain Significance.

Color Diagnostics, LLC DBA Color Health
Classification: Likely benign for Hereditary cancer-predisposing syndrome. Last evaluated: 2018-03-23. Review status: criteria provided, single submitter. Criteria: ACMG Guidelines, 2015. Collection method: clinical testing. Allele origin: germline.

Literature cited by the submitters: PubMed 12707038 (cited by Labcorp Genetics (formerly Invitae), Labcorp); PubMed 20848659 (cited by Labcorp Genetics (formerly Invitae), Labcorp).